The following is an entry in ClinVar:

ClinVar aggregate classification (germline): Uncertain significance (1 of 4 stars; one submission).

Conditions:
Pitt-Hopkins-like syndrome 2 (PTHSL2). Identifiers: Orphanet 221150, Orphanet 600663, MedGen C3280479, MONDO:0013690, OMIM 614325.

Allele frequency attached by ClinVar (database versions not stated): TOPMed 0.00006; gnomAD 0.00007 and 0.00006; ExAC 0.00002.
gnomAD v4.1: 13 of 1,613,940 alleles (0.00081%); highest among the groups gnomAD compares: African/African-American, 0.017%; no homozygotes.

Submission:

Labcorp Genetics (formerly Invitae), Labcorp
Classification: Uncertain significance for Pitt-Hopkins-like syndrome 2. Last evaluated: 2025-08-27. Review status: criteria provided, single submitter. Criteria: Invitae Variant Classification Sherloc (09022015). Collection method: clinical testing. Allele origin: germline.
Comment: This sequence change replaces histidine, which is basic and polar, with glutamine, which is neutral and polar, at codon 589 of the NRXN1 protein (p.His589Gln). This variant is present in population databases (rs201152575, gnomAD 0.03%). This variant has not been reported in the literature in individuals affected with NRXN1-related conditions. ClinVar contains an entry for this variant (Variation ID: 539883). An algorithm developed to predict the effect of missense changes on protein structure and function (PolyPhen-2) suggests that this variant is likely to be disruptive. In summary, the available evidence is currently insufficient to determine the role of this variant in disease. Therefore, it has been classified as a Variant of Uncertain Significance.

NM_001330078.2(NRXN1):c.1647C>A (p.His549Gln)

Gene: NRXN1 (neurexin 1; minus strand). Cytogenetic location: 2p16.3.
Variant type: single nucleotide variant.
Coding change: c.1647C>A on transcript NM_001330078.2 (MANE Select); coding-DNA position 1647, C replaced by A.
Protein change: p.His549Gln; replaces histidine 549 with glutamine.
Molecular consequence: missense variant.
Genome position (GRCh38, 1-based): chr2:50,552,699, G>T on the plus strand (C>A on the coding strand, the complement: NRXN1 is on the minus strand). VCF-style: chr2-50552699-G-T. GRCh37 (hg19) VCF-style: chr2-50779837-G-T.
Other names: c.1767C>A, p.His589Gln (NM_001135659.3); c.1623C>A, p.His541Gln (NM_001330077.2, NM_001330082.2, NM_001330095.2); c.1608C>A, p.His536Gln (NM_001330083.2, NM_001330084.2); c.1647C>A, p.His549Gln (NM_001330085.2, NM_001330086.2, NM_004801.6); c.1563C>A, p.His521Gln (NM_001330087.2, NM_001330096.2); c.1593C>A, p.His531Gln (NM_001330088.2); c.1644C>A, p.His548Gln (NM_001330093.2); c.1635C>A, p.His545Gln (NM_001330094.2); short protein forms H589Q, H531Q, H536Q, H541Q, H521Q, H545Q, H548Q, H549Q.
Identifiers: ClinVar variation 539883 (VCV000539883.6), dbSNP rs201152575, ClinGen allele CA1655008.